The following is an entry in ClinVar:

ClinVar aggregate classification (germline): Likely benign (1 of 4 stars; one submission).

Allele frequency attached by ClinVar (database versions not stated): gnomAD 0.00822 and 0.00886; 1000 Genomes Project 0.00839; TOPMed 0.00977; 1000 Genomes Project 30x 0.01046.
gnomAD v4.1: 1,236 of 152,284 alleles (0.81%); highest among the groups gnomAD compares: African/African-American, 2.9%; 19 homozygotes.

Submission:

GeneDx
Classification: Likely benign. Last evaluated: 2018-06-19. Review status: criteria provided, single submitter. Criteria: GeneDx Variant Classification (06012015). Collection method: clinical testing. Allele origin: germline. Affected: yes.
Comment: This variant is considered likely benign or benign based on one or more of the following criteria: it is a conservative change, it occurs at a poorly conserved position in the protein, it is predicted to be benign by multiple in silico algorithms, and/or has population frequency not consistent with disease.

NM_001386795.1(DTNA):c.1175+190C>T

Gene: DTNA (dystrobrevin alpha; plus strand). Cytogenetic location: 18q12.1.
Variant type: single nucleotide variant.
Coding change: c.1175+190C>T on transcript NM_001386795.1 (MANE Select); 190 bases into the intron after coding-DNA position 1175, C replaced by T.
Molecular consequence: intron variant.
Genome position (GRCh38, 1-based): chr18:34,829,679, C>T. VCF-style: chr18-34829679-C-T. GRCh37 (hg19) VCF-style: chr18-32409643-C-T.
Other names: c.1094+2003C>T (NM_032975.4, NM_001386761.1, NM_001386762.1 and 3 more transcripts); c.1175+190C>T (NM_001386754.1, NM_001386755.1, NM_001386760.1 and 6 more transcripts); c.1085+2003C>T (NM_001386763.1, NM_001386764.1, NM_001386768.1 and 14 more transcripts); c.603+17566C>T (NM_001198945.2); c.335+2003C>T (NM_001198943.1); c.221+190C>T (NM_001198942.1, NM_001198944.1); c.131+2003C>T (NM_032980.4, NM_032981.5).
Identifiers: ClinVar variation 675978 (VCV000675978.1), dbSNP rs148773881, ClinGen allele CA297770091.